The following is an entry in ClinVar:

NM_001558.4(IL10RA):c.1247C>G (p.Thr416Arg)

Gene: IL10RA (interleukin 10 receptor subunit alpha; plus strand). Cytogenetic location: 11q23.3.
Variant type: single nucleotide variant.
Coding change: c.1247C>G on transcript NM_001558.4 (MANE Select); coding-DNA position 1247, C replaced by G.
Protein change: p.Thr416Arg; replaces threonine 416 with arginine.
Molecular consequence: missense variant. On other transcripts: non-coding transcript variant (1).
Genome position (GRCh38, 1-based): chr11:117,999,151, C>G. VCF-style: chr11-117999151-C-G. GRCh37 (hg19) VCF-style: chr11-117869866-C-G.
Other names: short protein forms T416R.
Identifiers: ClinVar variation 1057453 (VCV001057453.6), dbSNP rs200254237, ClinGen allele CA382780484.

ClinVar aggregate classification (germline): Uncertain significance (1 of 4 stars; one submission).

Conditions:
Inflammatory bowel disease 28. Also called: Inflammatory bowel disease 28, early onset, autosomal recessive. Identifiers: Orphanet 238569, MedGen C2751053, MONDO:0013153, OMIM 613148.

gnomAD v4.1: 1 of 1,614,044 alleles (0.000062%); highest among the groups gnomAD compares: Admixed American, 0.0017%; no homozygotes.

Submission:

Labcorp Genetics (formerly Invitae), Labcorp
Classification: Uncertain significance for Inflammatory bowel disease 28. Last evaluated: 2022-03-19. Review status: criteria provided, single submitter. Criteria: Invitae Variant Classification Sherloc (09022015). Collection method: clinical testing. Allele origin: germline.
Comment: This sequence change replaces threonine, which is neutral and polar, with arginine, which is basic and polar, at codon 416 of the IL10RA protein (p.Thr416Arg). This variant is not present in population databases (gnomAD no frequency). This variant has not been reported in the literature in individuals affected with IL10RA-related conditions. ClinVar contains an entry for this variant (Variation ID: 1057453). Algorithms developed to predict the effect of missense changes on protein structure and function (SIFT, PolyPhen-2, Align-GVGD) all suggest that this variant is likely to be tolerated. In summary, the available evidence is currently insufficient to determine the role of this variant in disease. Therefore, it has been classified as a Variant of Uncertain Significance.